The following is an entry in ClinVar:

ClinVar aggregate classification (germline): Uncertain significance (1 of 4 stars; one submission).

Conditions:
Hereditary cancer-predisposing syndrome. Also called: Neoplastic Syndromes, Hereditary; Tumor predisposition; Hereditary neoplastic syndrome; Hereditary Cancer Syndrome. Identifiers: Orphanet 140162, MedGen C0027672, MeSH D009386, MONDO:0015356.

Submission:

Ambry Genetics
Classification: Uncertain significance for Hereditary cancer-predisposing syndrome. Last evaluated: 2023-12-07. Review status: criteria provided, single submitter. Criteria: Ambry Variant Classification Scheme 2023. Collection method: clinical testing. Allele origin: germline.
Comment: The p.N1224Y variant (also known as c.3670A>T), located in coding exon 30 of the TSC2 gene, results from an A to T substitution at nucleotide position 3670. The asparagine at codon 1224 is replaced by tyrosine, an amino acid with dissimilar properties. This amino acid position is conserved. In addition, the in silico prediction for this alteration is inconclusive. Since supporting evidence is limited at this time, the clinical significance of this alteration remains unclear.

NM_000548.5(TSC2):c.3670A>T (p.Asn1224Tyr)

Gene: TSC2 (TSC complex subunit 2; plus strand). Cytogenetic location: 16p13.3.
Variant type: single nucleotide variant.
Coding change: c.3670A>T on transcript NM_000548.5 (MANE Select); coding-DNA position 3670, A replaced by T.
Protein change: p.Asn1224Tyr; replaces asparagine 1224 with tyrosine.
Molecular consequence: missense variant. On other transcripts: non-coding transcript variant (5).
Genome position (GRCh38, 1-based): chr16:2,081,654, A>T. VCF-style: chr16-2081654-A-T. GRCh37 (hg19) VCF-style: chr16-2131655-A-T.
Other names: c.3538A>T, p.Asn1180Tyr (NM_001077183.3, NM_001370404.1, NM_001406665.1); c.3670A>T, p.Asn1224Tyr (NM_001114382.3); c.3430A>T, p.Asn1144Tyr (NM_001318827.2); c.3394A>T, p.Asn1132Tyr (NM_001318829.2); c.2938A>T, p.Asn980Tyr (NM_001318831.2, NM_001406687.1, NM_001406688.1); c.3571A>T, p.Asn1191Tyr (NM_001318832.2); c.3541A>T, p.Asn1181Tyr (NM_001363528.2, NM_001370405.1, NM_021055.3); c.3667A>T, p.Asn1223Tyr (NM_001406663.1, NM_001406664.1); and 18 more; short protein forms N1023Y, N1024Y, N1027Y, N1131Y, N1132Y, N1143Y, N1144Y, N1161Y.
Identifiers: ClinVar variation 3232151 (VCV003232151.1), dbSNP rs2544155221, ClinGen allele CA394292187.